The following is an entry in ClinVar:

NM_001386298.1(CIC):c.5528G>T (p.Arg1843Leu)

Gene: CIC (capicua transcriptional repressor; plus strand). Cytogenetic location: 19q13.2.
Variant type: single nucleotide variant.
Coding change: c.5528G>T on transcript NM_001386298.1 (MANE Select); coding-DNA position 5528, G replaced by T.
Protein change: p.Arg1843Leu; replaces arginine 1843 with leucine.
Molecular consequence: missense variant.
Genome position (GRCh38, 1-based): chr19:42,291,660, G>T. VCF-style: chr19-42291660-G-T. GRCh37 (hg19) VCF-style: chr19-42795812-G-T.
Other names: c.5528G>T, p.Arg1843Leu (NM_001304815.2, NM_001379480.1, NM_001379482.1); c.2801G>T, p.Arg934Leu (NM_001379484.1, NM_001379485.1, NM_015125.5); short protein forms R1843L, R934L.
Identifiers: ClinVar variation 931086 (VCV000931086.3), dbSNP rs141269383, ClinGen allele CA406112538.

ClinVar aggregate classification (germline): Uncertain significance (1 of 4 stars; one submission).

Conditions:
Intellectual developmental disorder, autosomal dominant 45. Also called: MENTAL RETARDATION, AUTOSOMAL DOMINANT 45; Intellectual disability, autosomal dominant 45. Identifiers: MedGen C4539848, MONDO:0030910, OMIM 617600.

Submission:

Centre for Mendelian Genomics, University Medical Centre Ljubljana
Classification: Uncertain significance for Intellectual developmental disorder, autosomal dominant 45. Last evaluated: 2019-05-13. Review status: criteria provided, single submitter. Criteria: ACMG Guidelines, 2015. Collection method: clinical testing. Allele origin: unknown. Affected: yes.
Comment: This variant was classified as: Uncertain significance. The available evidence on this variant's pathogenicity is insufficient or conflicting. The following ACMG criteria were applied in classifying this variant: PM2,PP3.